The following is an entry in ClinVar:

NM_000069.3(CACNA1S):c.1628C>T (p.Thr543Met)

Gene: CACNA1S (calcium voltage-gated channel subunit alpha1 S; minus strand). Cytogenetic location: 1q32.1.
Variant type: single nucleotide variant.
Coding change: c.1628C>T on transcript NM_000069.3 (MANE Select); coding-DNA position 1628, C replaced by T.
Protein change: p.Thr543Met; replaces threonine 543 with methionine.
Molecular consequence: missense variant.
Genome position (GRCh38, 1-based): chr1:201,077,119, G>A on the plus strand (C>T on the coding strand, the complement: CACNA1S is on the minus strand). VCF-style: chr1-201077119-G-A. GRCh37 (hg19) VCF-style: chr1-201046247-G-A.
Other names: short protein forms T543M.
Identifiers: ClinVar variation 294763 (VCV000294763.15), dbSNP rs777962341, ClinGen allele CA078485.

ClinVar aggregate classification (germline): Conflicting classifications of pathogenicity. Review status: criteria provided, conflicting classifications (1 of 4 stars). 4 submissions from 4 submitters: Uncertain significance (3); Likely benign (1). Last evaluated 2026-01-21.

Conditions:
Hypokalemic periodic paralysis, type 1. Also called: Hypokalemic Periodic Paralysis Type 1 (AD); HypoPP. Identifiers: Orphanet 681, MedGen C3714580, MONDO:0042979, OMIM 170400.
Malignant hyperthermia, susceptibility to, 5 (MHS5). Also called: CACNA1S-Related Malignant Hyperthermia Susceptibility. Identifiers: Orphanet 423, MedGen C1866077, MONDO:0011163, OMIM 601887.
Thyrotoxic periodic paralysis, susceptibility to, 1 (TTPP1). Identifiers: Orphanet 79102, MedGen C2749982, MONDO:0008570, OMIM 188580.

Allele frequency attached by ClinVar (database versions not stated): gnomAD 0.00001 and 0.00002; TOPMed 0.00001; ExAC 0.00003; gnomAD exomes 0.00003.
gnomAD v4.1: 31 of 1,613,958 alleles (0.0019%); highest among the groups gnomAD compares: Middle Eastern, 0.017%; no homozygotes.

Submissions (4):

Labcorp Genetics (formerly Invitae), Labcorp
Classification: Likely benign for Hypokalemic periodic paralysis, type 1; Malignant hyperthermia, susceptibility to, 5. Last evaluated: 2026-01-21. Review status: criteria provided, single submitter. Criteria: Invitae Variant Classification Sherloc (09022015). Collection method: clinical testing. Allele origin: germline.

Color Diagnostics, LLC DBA Color Health
Classification: Uncertain significance for Malignant hyperthermia, susceptibility to, 5. Last evaluated: 2025-06-18. Review status: criteria provided, single submitter. Criteria: ACMG Guidelines, 2015. Collection method: clinical testing. Allele origin: germline.
Comment: This missense variant replaces threonine with methionine at codon 543 of the CACNA1S protein. Computational prediction suggests that this variant may have deleterious impact on protein structure and function. To our knowledge, functional studies have not been reported for this variant. This variant has not been reported in individuals affected with CACNA1S-related disorders in the literature. This variant has been identified in 10/282434 chromosomes in the general population by the Genome Aggregation Database (gnomAD). The available evidence is insufficient to determine the role of this variant in disease conclusively. Therefore, this variant is classified as a Variant of Uncertain Significance.

All of Us Research Program, National Institutes of Health
Classification: Uncertain significance for Malignant hyperthermia, susceptibility to, 5. Last evaluated: 2023-10-27. Review status: criteria provided, single submitter. Criteria: ACMG Guidelines, 2015. Collection method: clinical testing. Allele origin: germline. Inheritance: Autosomal dominant inheritance. Observed: 5 variant alleles, 5 heterozygotes.
Comment: This missense variant replaces threonine with methionine at codon 543 of the CACNA1S protein. Computational prediction suggests that this variant may have deleterious impact on protein structure and function (internally defined REVEL score threshold >= 0.7, PMID: 27666373). To our knowledge, functional studies have not been reported for this variant. This variant has not been reported in individuals affected with CACNA1S-related disorders in the literature. This variant has been identified in 10/282434 chromosomes in the general population by the Genome Aggregation Database (gnomAD). The available evidence is insufficient to determine the role of this variant in disease conclusively. Therefore, this variant is classified as a Variant of Uncertain Significance.

This study involves interpretation of variants in research participants for the purpose of population health screening. Participant phenotype was not available at the time of variant classification. Additional details can be found in publication PMID: 35346344, PMCID: PMC8962531

Fulgent Genetics
Classification: Uncertain significance for Hypokalemic periodic paralysis, type 1; Thyrotoxic periodic paralysis, susceptibility to, 1; Malignant hyperthermia, susceptibility to, 5. Last evaluated: 2021-11-15. Review status: criteria provided, single submitter. Criteria: ACMG Guidelines, 2015. Collection method: clinical testing. Allele origin: unknown.